The following is an entry in ClinVar:

NM_000059.4(BRCA2):c.9190G>T (p.Asp3064Tyr)

Gene: BRCA2 (BRCA2 DNA repair associated; plus strand). Cytogenetic location: 13q13.1.
Variant type: single nucleotide variant.
Coding change: c.9190G>T on transcript NM_000059.4 (MANE Select); coding-DNA position 9190, G replaced by T.
Protein change: p.Asp3064Tyr; replaces aspartic acid 3064 with tyrosine.
Molecular consequence: missense variant.
Genome position (GRCh38, 1-based): chr13:32,380,079, G>T. VCF-style: chr13-32380079-G-T. GRCh37 (hg19) VCF-style: chr13-32954216-G-T.
Other names: short protein forms D3064Y.
Identifiers: ClinVar variation 52773 (VCV000052773.27), dbSNP rs80359177, ClinGen allele CA026024.

ClinVar aggregate classification (germline): Uncertain significance. Review status: criteria provided, multiple submitters, no conflicts (2 of 4 stars). 8 submissions from 8 submitters: Uncertain significance (7). 1 of the submissions does not count toward it. Last evaluated 2025-11-24.

Conditions:
Hereditary breast ovarian cancer syndrome. Also called: Hereditary breast and ovarian cancer syndrome; Hereditary breast and ovarian cancer; Hereditary breast and ovarian cancer syndrome (HBOC); Breast and ovarian cancer; Hereditary breast and/or ovarian cancer syndrome; BRCA1- and BRCA2-Associated Hereditary Breast and Ovarian Cancer. Identifiers: Orphanet 145, MedGen C0677776, MeSH D061325, MONDO:0003582. Disease mechanism: loss of function.
Breast-ovarian cancer, familial, susceptibility to, 2 (BROVCA2). Also called: BRCA2 Hereditary Breast and Ovarian Cancer. Identifiers: Orphanet 145, MedGen C2675520, MONDO:0012933, OMIM 612555. Disease mechanism: loss of function.
Hereditary cancer-predisposing syndrome. Also called: Neoplastic Syndromes, Hereditary; Tumor predisposition; Hereditary neoplastic syndrome; Hereditary Cancer Syndrome. Identifiers: Orphanet 140162, MedGen C0027672, MeSH D009386, MONDO:0015356.
Familial cancer of breast. Also called: BREAST CANCER, FAMILIAL; Hereditary breast cancer; hereditary breast carcinoma. Identifiers: Orphanet 227535, MedGen C0346153, MONDO:0016419, OMIM 114480. Disease mechanism: loss of function.

Allele frequency attached by ClinVar (database versions not stated): TOPMed 0.00001.
gnomAD v4.1: 1 of 1,613,906 alleles (0.000062%); highest among the groups gnomAD compares: Non-Finnish European, 0.000085%; no homozygotes.

Submissions (8):

Labcorp Genetics (formerly Invitae), Labcorp
Classification: Uncertain significance for Hereditary breast ovarian cancer syndrome. Last evaluated: 2025-11-24. Review status: criteria provided, single submitter. Criteria: Invitae Variant Classification Sherloc (09022015). Collection method: clinical testing. Allele origin: germline.
Comment: This sequence change replaces aspartic acid, which is acidic and polar, with tyrosine, which is neutral and polar, at codon 3064 of the BRCA2 protein (p.Asp3064Tyr). This variant is not present in population databases (gnomAD no frequency). This missense change has been observed in individual(s) with clinical features of BRCA2-related conditions (PMID: 10923033). ClinVar contains an entry for this variant (Variation ID: 52773). Invitae Evidence Modeling of protein sequence and biophysical properties (such as structural, functional, and spatial information, amino acid conservation, physicochemical variation, residue mobility, and thermodynamic stability) indicates that this missense variant is not expected to disrupt BRCA2 protein function with a negative predictive value of 95%. Experimental studies have shown that this missense change does not substantially affect BRCA2 function (PMID: 33293522). In summary, the available evidence is currently insufficient to determine the role of this variant in disease. Therefore, it has been classified as a Variant of Uncertain Significance.

Women's Health and Genetics/Laboratory Corporation of America, LabCorp
Classification: Uncertain significance. Last evaluated: 2025-09-03. Review status: criteria provided, single submitter. Criteria: LabCorp Variant Classification Summary - May 2015. Collection method: clinical testing. Allele origin: germline.
Comment: Variant summary: BRCA2 c.9190G>T (p.Asp3064Tyr) results in a non-conservative amino acid change located in the BRCA2, OB3 domain (IPR015188) of the encoded protein sequence. Algorithms developed to predict the effect of missense changes on protein structure and function are either unavailable or do not agree on the potential impact of this missense change. The variant was absent in 251296 control chromosomes. The available data on variant occurrences in the general population are insufficient to allow any conclusion about variant significance. c.9190G>T has been reported in the literature, without strong evidence for causality. These report(s) do not provide unequivocal conclusions about association of the variant with Hereditary Breast And Ovarian Cancer Syndrome. At least one publication reports experimental evidence evaluating an impact on protein function. These results showed no damaging effect of this variant (Biwas_2020). The following publications have been ascertained in the context of this evaluation (PMID: 19043619, 30683709, 33293522). ClinVar contains an entry for this variant (Variation ID: 52773). Based on the evidence outlined above, the variant was classified as uncertain significance.

Ambry Genetics
Classification: Uncertain significance for Hereditary cancer-predisposing syndrome. Last evaluated: 2025-08-05. Review status: criteria provided, single submitter. Criteria: Ambry Variant Classification Scheme 2023. Collection method: clinical testing. Allele origin: germline.
Comment: The p.D3064Y variant (also known as c.9190G>T), located in coding exon 23 of the BRCA2 gene, results from a G to T substitution at nucleotide position 9190. The aspartic acid at codon 3064 is replaced by tyrosine, an amino acid with highly dissimilar properties. This alteration has been reported in an individual with early-onset colorectal cancer (Maletzki C et al. Oncologist, 2019 07;24:877-882). Utilizing a bioinformatics method that integrates information about protein sequence, conservation, and structure in a protein likelihood ratio, this alteration was predicted to be neutral (Karchin R et al. Cancer Inform 2008; 6:203-16). This alteration demonstrated behavior similar to wildtype in a mouse embryonic stem cell survival assay (Biswas K et al. NPJ Genom Med, 2020 Dec;5:52). The results from two saturation genome editing-based studies, including a haploid cell-survival assay and a humanized mouse embryonic stem cell line assay of drug response and survival, are discordant for this nucleotide substitution (Huang H et al. Nature. 2025 Feb;638(8050):528-537; Sahu S et al. Nature. 2025 Feb;638(8050):538-545). This amino acid position is not well conserved in available vertebrate species. In addition, the in silico prediction for this alteration is inconclusive. Based on the available evidence, the clinical significance of this variant remains unclear.

Quest Diagnostics Nichols Institute San Juan Capistrano
Classification: Uncertain significance. Last evaluated: 2025-06-09. Review status: criteria provided, single submitter. Criteria: Quest Diagnostics criteria. Collection method: clinical testing. Allele origin: unknown.
Comment: The BRCA2 c.9190G>T (p.Asp3064Tyr) variant has been reported in the published literature in an individual with colorectal cancer (PMID: 33293522 (2020)). A Published functional study reported this variant as functional based on their impact on cell survival and sensitivity to DNA damaging agents in mouse embryonic stem cells (mESC) lacking endogenous BRCA2 (PMID: 33293522 (2020)). Another study measuring DNA repair-dependent cell survival in a saturation genome editing assay reported this variant as Likely pathogenic (PMID: 39779848 (2025)).The frequency of this variant in the general population (Genome Aggregation Database) is uninformative in the assessment of its pathogenicity. Analysis of this variant using bioinformatics tools for the prediction of the effect of amino acid changes on protein structure and function yielded conflicting predictions that this variant is benign or damaging. Based on the available information, we are unable to determine the clinical significance of this variant.

Color Diagnostics, LLC DBA Color Health
Classification: Uncertain significance for Hereditary cancer-predisposing syndrome. Last evaluated: 2025-01-07. Review status: criteria provided, single submitter. Criteria: ACMG Guidelines, 2015. Collection method: clinical testing. Allele origin: germline.
Comment: This missense variant replaces aspartic acid with tyrosine at codon 3064 of the BRCA2 protein. Computational prediction suggests that this variant may not impact protein structure and function. A complementation and drug sensitivity study in mouse ES cells has reported the mutant protein to be functional (PMID: 33293522). This variant has been reported in an individual affected with colorectal cancer (PMID: 30683709). This variant has not been identified in the general population by the Genome Aggregation Database (gnomAD). The available evidence is insufficient to determine the role of this variant in disease conclusively. Therefore, this variant is classified as a Variant of Uncertain Significance.

Baylor Genetics
Classification: Uncertain significance for Familial cancer of breast. Last evaluated: 2023-09-14. Review status: criteria provided, single submitter. Criteria: ACMG Guidelines, 2015. Collection method: clinical testing. Allele origin: unknown.

GeneDx
Classification: Uncertain significance. Last evaluated: 2023-04-27. Review status: criteria provided, single submitter. Criteria: GeneDx Variant Classification Process June 2021. Collection method: clinical testing. Allele origin: germline. Affected: yes.
Comment: Observed in an individual with adenocarcinoma of the cecum and appendix (Maletzki et al., 2019); In silico analysis supports that this missense variant does not alter protein structure/function; Not observed at significant frequency in large population cohorts (gnomAD); Published functional studies demonstrate no damaging effect: ability to rescue cell lethality and lack of sensitivity to DNA-damaging drugs in a mouse embryonic stem cell (mESC)-based assay (Biswas et al., 2020); Also known as 9418G>T; This variant is associated with the following publications: (PMID: 12228710, 19043619, 29884841, 32377563, 30683709, 33293522)

Breast Cancer Information Core (BIC) (BRCA2)
Classification: Uncertain significance for Breast-ovarian cancer, familial 2. Last evaluated: 2004-02-20. Review status: no assertion criteria provided. Collection method: clinical testing. Allele origin: germline. Affected: yes. Observed: 4 variant alleles. Not counted in ClinVar's aggregate classification.

Literature cited by the submitters: PubMed 10923033 (cited by Labcorp Genetics (formerly Invitae), Labcorp); PubMed 33293522 (cited by 5 submitters); PubMed 19043619 (cited by 3 submitters); PubMed 30683709 (cited by 4 submitters); PubMed 39779848 (cited by Ambry Genetics and Quest Diagnostics Nichols Institute San Juan Capistrano); PubMed 39779857 (cited by Ambry Genetics).